The following is an entry in ClinVar:

NM_006947.4(SRP72):c.28T>C (p.Ser10Pro)

Genes: SRP72 (signal recognition particle 72; plus strand), LOC129992625 (ATAC-STARR-seq lymphoblastoid active region 21580; plus strand). Cytogenetic location: 4q12.
Variant type: single nucleotide variant.
Coding change: c.28T>C on transcript NM_006947.4 (MANE Select); coding-DNA position 28, T replaced by C.
Protein change: p.Ser10Pro; replaces serine 10 with proline.
Molecular consequence: missense variant. On other transcripts: non-coding transcript variant (1).
Genome position (GRCh38, 1-based): chr4:56,467,663, T>C. VCF-style: chr4-56467663-T-C. GRCh37 (hg19) VCF-style: chr4-57333829-T-C.
Other names: c.28T>C, p.Ser10Pro (NM_001267722.2); short protein forms S10P.
Identifiers: ClinVar variation 3962107 (VCV003962107.1).

ClinVar aggregate classification (germline): Uncertain significance (1 of 4 stars; one submission).

gnomAD v4.1: 24 of 1,559,056 alleles (0.0015%); highest among the groups gnomAD compares: Non-Finnish European, 0.0021%; no homozygotes.

Submission:

Ambry Genetics
Classification: Uncertain significance. Last evaluated: 2025-05-18. Review status: criteria provided, single submitter. Criteria: Ambry Variant Classification Scheme 2023. Collection method: clinical testing. Allele origin: germline.
Comment: The p.S10P variant (also known as c.28T>C), located in coding exon 1 of the SRP72 gene, results from a T to C substitution at nucleotide position 28. The serine at codon 10 is replaced by proline, an amino acid with similar properties. This amino acid position is conserved. In addition, the in silico prediction for this alteration is inconclusive. Based on the available evidence, the clinical significance of this variant remains unclear.